The following is an entry in ClinVar:

ClinVar aggregate classification (germline): Pathogenic (1 of 4 stars; one submission).

Conditions:
Retinal dystrophy. Also called: Inherited retinal dystrophy. Identifiers: Orphanet 71862, MedGen C0854723, MeSH D058499, MONDO:0019118, HP:0000556.

Submission:

Ophthalmic Genetics Group, Institute of Molecular and Clinical Ophthalmology Basel
Classification: Pathogenic for Retinal dystrophy. Last evaluated: 2024-05-27. Review status: criteria provided, single submitter. Criteria: ACMG Guidelines, 2015. Collection method: research. Allele origin: germline. Affected: yes. Observed: 4 variant alleles.
Comment: This variant was classified as Pathogenic based on ACMG criteria: PVS1_strong, PM2_sup and PP1_strong

Literature cited by the submitters: PubMed 40180963.

NM_006343.3(MERTK):c.444dup (p.Pro149fs)

Gene: MERTK (MER proto-oncogene, tyrosine kinase; plus strand). Cytogenetic location: 2q13.
Variant type: Duplication.
Coding change: c.444dup on transcript NM_006343.3 (MANE Select); coding-DNA position 444, one base duplicated (T; older notation c.444dupT).
Protein change: p.Pro149fs; shifts the reading frame from proline 149.
Molecular consequence: frameshift variant.
Genome position (GRCh38, 1-based): chr2:111,929,502, T duplicated. VCF-style (leftmost placement, unchanged base first): chr2-111929501-A-AT. GRCh37 (hg19) VCF-style: chr2-112687078-A-AT.
Other names: NC_000002.11:g.112687079dup; NP_006334.2:p.(Pro149SerfsTer3); short protein forms P149fs.
Identifiers: ClinVar variation 3381808 (VCV003381808.2).